The following is an entry in ClinVar:

NM_000875.5(IGF1R):c.3823C>T (p.Arg1275Trp)

Gene: IGF1R (insulin like growth factor 1 receptor; plus strand). Cytogenetic location: 15q26.3.
Variant type: single nucleotide variant.
Coding change: c.3823C>T on transcript NM_000875.5 (MANE Select); coding-DNA position 3823, C replaced by T.
Protein change: p.Arg1275Trp; replaces arginine 1275 with tryptophan.
Molecular consequence: missense variant.
Genome position (GRCh38, 1-based): chr15:98,957,161, C>T. VCF-style: chr15-98957161-C-T. GRCh37 (hg19) VCF-style: chr15-99500390-C-T.
Other names: c.3820C>T, p.Arg1274Trp (NM_001291858.2); short protein forms R1275W, R1274W.
Identifiers: ClinVar variation 1929109 (VCV001929109.5), dbSNP rs143286842, ClinGen allele CA7752796.

ClinVar aggregate classification (germline): Uncertain significance (1 of 4 stars; one submission).

Allele frequency attached by ClinVar (database versions not stated): ExAC 0.00001; gnomAD 0.00001; gnomAD exomes 0.00001; TOPMed 0.00003; ESP Exome Variant Server 0.00015.
gnomAD v4.1: 16 of 1,614,114 alleles (0.00099%); highest among the groups gnomAD compares: South Asian, 0.0055%; no homozygotes.

Submission:

Labcorp Genetics (formerly Invitae), Labcorp
Classification: Uncertain significance. Last evaluated: 2025-10-20. Review status: criteria provided, single submitter. Criteria: Invitae Variant Classification Sherloc (09022015). Collection method: clinical testing. Allele origin: germline.
Comment: This sequence change replaces arginine, which is basic and polar, with tryptophan, which is neutral and slightly polar, at codon 1275 of the IGF1R protein (p.Arg1275Trp). This variant is present in population databases (rs143286842, gnomAD 0.01%). This variant has not been reported in the literature in individuals affected with IGF1R-related conditions. ClinVar contains an entry for this variant (Variation ID: 1929109). Invitae Evidence Modeling of protein sequence and biophysical properties (such as structural, functional, and spatial information, amino acid conservation, physicochemical variation, residue mobility, and thermodynamic stability) indicates that this missense variant is not expected to disrupt IGF1R protein function with a negative predictive value of 80%. In summary, the available evidence is currently insufficient to determine the role of this variant in disease. Therefore, it has been classified as a Variant of Uncertain Significance.